The following is an entry in ClinVar:

ClinVar aggregate classification (germline): Uncertain significance (1 of 4 stars; one submission).

Conditions:
Epidermolysis bullosa simplex 5B, with muscular dystrophy (EBS5B). Also called: EPIDERMOLYSIS BULLOSA SIMPLEX AND LIMB-GIRDLE MUSCULAR DYSTROPHY; Epidermolysis bullosa simplex with muscular dystrophy. Identifiers: Orphanet 257, MedGen C2931072, MONDO:0009181, OMIM 226670.
Epidermolysis bullosa simplex 5C, with pyloric atresia (EBS5C). Also called: Epidermolysis bullosa simplex with pyloric atresia; PLEC-Related Epidermolysis Bullosa with Pyloric Atresia; PLEC1-Related Epidermolysis Bullosa with Pyloric Atresia. Identifiers: Orphanet 158684, MedGen C2677349, MONDO:0012807, OMIM 612138.
Epidermolysis bullosa simplex with nail dystrophy (EBS5D). Identifiers: MedGen C4225309, MONDO:0014661, OMIM 616487.
Autosomal recessive limb-girdle muscular dystrophy type 2Q (LGMDR17). Also called: MUSCULAR DYSTROPHY, LIMB-GIRDLE, AUTOSOMAL RECESSIVE 17. Identifiers: Orphanet 254361, MedGen C3150989, MONDO:0013390, OMIM 613723.
Epidermolysis bullosa simplex, Ogna type (EBS5A). Also called: Pidermolysis bullosa simplex 5A, Ogna type; EPIDERMOLYSIS BULLOSA SIMPLEX 5A, OGNA TYPE. Identifiers: Orphanet 79401, MedGen C0432317, MONDO:0007555, OMIM 131950.

Allele frequency attached by ClinVar (database versions not stated): gnomAD exomes below 0.00001; TOPMed below 0.00001; ExAC 0.00001; gnomAD 0.00001.
gnomAD v4.1: 3 of 1,612,288 alleles (0.00019%); highest among the groups gnomAD compares: South Asian, 0.0022%; no homozygotes.

Submission:

Labcorp Genetics (formerly Invitae), Labcorp
Classification: Uncertain significance for Autosomal recessive limb-girdle muscular dystrophy type 2Q; Epidermolysis bullosa simplex, Ogna type; Epidermolysis bullosa simplex with nail dystrophy; Epidermolysis bullosa simplex 5C, with pyloric atresia; Epidermolysis bullosa simplex 5B, with muscular dystrophy. Last evaluated: 2022-02-25. Review status: criteria provided, single submitter. Criteria: Invitae Variant Classification Sherloc (09022015). Collection method: clinical testing. Allele origin: germline.
Comment: In summary, the available evidence is currently insufficient to determine the role of this variant in disease. Therefore, it has been classified as a Variant of Uncertain Significance. Algorithms developed to predict the effect of missense changes on protein structure and function are either unavailable or do not agree on the potential impact of this missense change (SIFT: "Deleterious"; PolyPhen-2: "Not Available"; Align-GVGD: "Class C65"). This variant has not been reported in the literature in individuals affected with PLEC-related conditions. This variant is present in population databases (rs782141346, gnomAD 0.003%). This sequence change replaces aspartic acid, which is acidic and polar, with valine, which is neutral and non-polar, at codon 574 of the PLEC protein (p.Asp574Val).

NM_201384.3(PLEC):c.1640A>T (p.Asp547Val)

Gene: PLEC (plectin; minus strand). Cytogenetic location: 8q24.3.
Variant type: single nucleotide variant.
Coding change: c.1640A>T on transcript NM_201384.3 (MANE Select); coding-DNA position 1640, A replaced by T.
Protein change: p.Asp547Val; replaces aspartic acid 547 with valine.
Molecular consequence: missense variant.
Genome position (GRCh38, 1-based): chr8:143,932,890, T>A on the plus strand (A>T on the coding strand, the complement: PLEC is on the minus strand). VCF-style: chr8-143932890-T-A. GRCh37 (hg19) VCF-style: chr8-145007058-T-A.
Other names: c.1721A>T, p.Asp574Val (NM_000445.5, NM_001410941.1); c.1598A>T, p.Asp533Val (NM_201378.4); c.1574A>T, p.Asp525Val (NM_201379.3); c.2051A>T, p.Asp684Val (NM_201380.4); c.1544A>T, p.Asp515Val (NM_201381.3); c.1640A>T, p.Asp547Val (NM_201382.4); c.1652A>T, p.Asp551Val (NM_201383.3); short protein forms D525V, D684V, D515V, D533V, D547V, D551V, D574V.
Identifiers: ClinVar variation 2074017 (VCV002074017.4), dbSNP rs782141346, ClinGen allele CA4927909.
Genomic context (GRCh38, chr8:143,932,890, plus strand): 5'-TCTTCGATGGACTGGTGCAGGCCTCGGTGGCTGCCCAGCTGCGCCTCCACGCTGGGCAGG[T>A]CCACACCCCACTCAGCGCCATCCACACGGTGCTGGTTCTCCTCCACCCAGGCCAGCAGGT-3'
Protein context (NP_958786.1, residues 537-557): HRVDGAEWGV[Asp547Val]LPSVEAQLGS